The following is an entry in ClinVar:

ClinVar aggregate classification (germline): Benign/Likely benign. Review status: criteria provided, multiple submitters, no conflicts (2 of 4 stars). 6 submissions from 6 submitters: Benign (1); Likely benign (2). 3 of the submissions do not count toward it. Last evaluated 2026-05-21.

Conditions:
CUL7-related disorder. Also called: CUL7-related condition.

Submissions (6):

Women's Health and Genetics/Laboratory Corporation of America, LabCorp
Classification: Likely benign. Last evaluated: 2026-05-21. Review status: criteria provided, single submitter. Criteria: LabCorp Variant Classification Summary - May 2015. Collection method: clinical testing. Allele origin: germline.
Comment: Variant summary: CUL7 c.1171_1173delGAG (p.Glu391del) results in an in-frame deletion that is predicted to remove one amino acid from the encoded protein. The variant allele was found at a frequency of 0.0044 in 251484 control chromosomes in the gnomAD database, including 4 homozygotes. The observed variant frequency exceeds the estimated maximal expected allele frequency for disease-causing variants in CUL7. To our knowledge, no occurrence of c.1171_1173delGAG in individuals affected with CUL7-related conditions and no experimental evidence demonstrating its impact on protein function have been reported. ClinVar contains an entry for this variant (Variation ID: 774866). Based on the evidence outlined above, the variant was classified as likely benign.

Labcorp Genetics (formerly Invitae), Labcorp
Classification: Benign. Last evaluated: 2026-02-02. Review status: criteria provided, single submitter. Criteria: Invitae Variant Classification Sherloc (09022015). Collection method: clinical testing. Allele origin: germline.

CeGaT Center for Human Genetics Tuebingen
Classification: Likely benign. Last evaluated: 2025-12-01. Review status: criteria provided, single submitter. Criteria: CeGaT Center For Human Genetics Tuebingen Variant Classification Criteria Version 2. Collection method: clinical testing. Allele origin: germline. Affected: yes. Observed: 4 variant alleles.
Comment: CUL7: PM4:Supporting, BS2

PreventionGenetics, part of Exact Sciences
Classification: Benign for CUL7-related condition. Last evaluated: 2019-04-25. Review status: no assertion criteria provided. Collection method: clinical testing. Allele origin: germline. Not counted in ClinVar's aggregate classification.
Comment: This variant is classified as benign based on ACMG/AMP sequence variant interpretation guidelines (Richards et al. 2015 PMID: 25741868, with internal and published modifications).

Clinical Genetics DNA and cytogenetics Diagnostics Lab, Erasmus MC, Erasmus Medical Center
Classification: Likely benign. Review status: no assertion criteria provided. Collection method: clinical testing. Allele origin: germline. Affected: yes. Study: VKGL Data-share Consensus. Not counted in ClinVar's aggregate classification.

Laboratory of Diagnostic Genome Analysis, Leiden University Medical Center (LUMC)
Classification: Likely benign. Review status: no assertion criteria provided. Collection method: clinical testing. Allele origin: germline. Affected: yes. Study: VKGL Data-share Consensus. Not counted in ClinVar's aggregate classification.

NM_014780.5(CUL7):c.1168GAG[1] (p.Glu391del)

Gene: CUL7 (cullin 7; minus strand). Cytogenetic location: 6p21.1.
Variant type: Microsatellite.
Coding change: c.1168GAG[1] on transcript NM_014780.5 (MANE Select); one copy of the 3-base unit GAG starting at c.1168; the reference has two copies in a row; one copy, 3 bases deleted.
Protein change: p.Glu391del; deletes glutamic acid 391.
Molecular consequence: inframe deletion.
Genome position (GRCh38, 1-based): chr6:43,051,028-43,051,030, CTC deleted on the plus strand (GAG on the coding strand, the reverse complement: CUL7 is on the minus strand); deleting any 3 consecutive bases within chr6:43,051,028-43,051,033 gives the same sequence; the position shown is the placement nearest the transcript's 3' end. VCF-style (leftmost placement, unchanged base first): chr6-43051027-TCTC-T. GRCh37 (hg19) VCF-style: chr6-43018765-TCTC-T.
Other names: c.1264GAG[1], p.Glu423del (NM_001168370.2, NM_001374872.1); c.1168GAG[1], p.Glu391del (NM_001374873.1, NM_001374874.1); c.1171_1173delGAG (NM_014780.4, NM_014780.5); short protein forms E423del, E391del.
Identifiers: ClinVar variation 774866 (VCV000774866.38), dbSNP rs372224208, ClinGen allele CA3814213.